The following is an entry in ClinVar:

ClinVar aggregate classification (germline): Uncertain significance (1 of 4 stars; one submission).

Submission:

Labcorp Genetics (formerly Invitae), Labcorp
Classification: Uncertain significance. Last evaluated: 2021-03-02. Review status: criteria provided, single submitter. Criteria: Invitae Variant Classification Sherloc (09022015). Collection method: clinical testing. Allele origin: germline.
Comment: This variant has not been reported in the literature in individuals with ITGAM-related conditions. In summary, the available evidence is currently insufficient to determine the role of this variant in disease. Therefore, it has been classified as a Variant of Uncertain Significance. Algorithms developed to predict the effect of missense changes on protein structure and function are either unavailable or do not agree on the potential impact of this missense change (SIFT: "Deleterious"; PolyPhen-2: "Benign"; Align-GVGD: "Class C65"). This variant is not present in population databases (ExAC no frequency). This sequence change replaces cysteine with serine at codon 998 of the ITGAM protein (p.Cys998Ser). The cysteine residue is highly conserved and there is a moderate physicochemical difference between cysteine and serine.

NM_000632.4(ITGAM):c.2992T>A (p.Cys998Ser)

Gene: ITGAM (integrin subunit alpha M; plus strand). Cytogenetic location: 16p11.2.
Variant type: single nucleotide variant.
Coding change: c.2992T>A on transcript NM_000632.4 (MANE Select); coding-DNA position 2992, T replaced by A.
Protein change: p.Cys998Ser; replaces cysteine 998 with serine.
Molecular consequence: missense variant.
Genome position (GRCh38, 1-based): chr16:31,330,096, T>A. VCF-style: chr16-31330096-T-A. GRCh37 (hg19) VCF-style: chr16-31341417-T-A.
Other names: c.2995T>A, p.Cys999Ser (NM_001145808.2); short protein forms C998S, C999S.
Identifiers: ClinVar variation 1412561 (VCV001412561.8), dbSNP rs2080560051, ClinGen allele CA395700225.
Genomic context (GRCh38, chr16:31,330,096, plus strand): 5'-TGGCGCCTTCATCTCTGCCCCTTCTCAGTGCGTCTCTTTCCTCAGAACCTCTCGAGTACG[T>A]GCCACACCAAGGAGCGCTTGCCCTCTCACTCCGACTTTCTGGCTGAGCTTCGGAAGGCCC-3'
Protein context (NP_000623.2, residues 988-1008): VTFSENLSST[Cys998Ser]HTKERLPSHS